The following is an entry in ClinVar:

NM_000632.4(ITGAM):c.656C>A (p.Thr219Lys)

Gene: ITGAM (integrin subunit alpha M; plus strand). Cytogenetic location: 16p11.2.
Variant type: single nucleotide variant.
Coding change: c.656C>A on transcript NM_000632.4 (MANE Select); coding-DNA position 656, C replaced by A.
Protein change: p.Thr219Lys; replaces threonine 219 with lysine.
Molecular consequence: missense variant.
Genome position (GRCh38, 1-based): chr16:31,271,944, C>A. VCF-style: chr16-31271944-C-A. GRCh37 (hg19) VCF-style: chr16-31283265-C-A.
Other names: c.656C>A, p.Thr219Lys (NM_001145808.2); short protein forms T219K.
Identifiers: ClinVar variation 1387435 (VCV001387435.7), dbSNP rs762226869, ClinGen allele CA395692078.

ClinVar aggregate classification (germline): Uncertain significance (1 of 4 stars; one submission).

Submission:

Labcorp Genetics (formerly Invitae), Labcorp
Classification: Uncertain significance. Last evaluated: 2021-09-02. Review status: criteria provided, single submitter. Criteria: Invitae Variant Classification Sherloc (09022015). Collection method: clinical testing. Allele origin: germline.
Comment: This variant is not present in population databases (ExAC no frequency). This variant has not been reported in the literature in individuals affected with ITGAM-related conditions. Algorithms developed to predict the effect of missense changes on protein structure and function output the following: SIFT: "Tolerated"; PolyPhen-2: "Benign"; Align-GVGD: "Class C0". The lysine amino acid residue is found in multiple mammalian species, which suggests that this missense change does not adversely affect protein function. In summary, the available evidence is currently insufficient to determine the role of this variant in disease. Therefore, it has been classified as a Variant of Uncertain Significance. This sequence change replaces threonine with lysine at codon 219 of the ITGAM protein (p.Thr219Lys). The threonine residue is weakly conserved and there is a moderate physicochemical difference between threonine and lysine.